The following is an entry in ClinVar:

NM_005802.5(TOPORS):c.679A>C (p.Ile227Leu)

Gene: TOPORS (TOP1 binding arginine/serine rich protein, E3 ubiquitin ligase; minus strand). Cytogenetic location: 9p21.1.
Variant type: single nucleotide variant.
Coding change: c.679A>C on transcript NM_005802.5 (MANE Select); coding-DNA position 679, A replaced by C.
Protein change: p.Ile227Leu; replaces isoleucine 227 with leucine.
Molecular consequence: missense variant.
Genome position (GRCh38, 1-based): chr9:32,543,846, T>G on the plus strand (A>C on the coding strand, the complement: TOPORS is on the minus strand). VCF-style: chr9-32543846-T-G. GRCh37 (hg19) VCF-style: chr9-32543844-T-G.
Other names: c.484A>C, p.Ile162Leu (NM_001195622.2); c.679A>C (NM_005802.4); short protein forms I227L, I162L.
Identifiers: ClinVar variation 2196654 (VCV002196654.4), dbSNP rs191483088, ClinGen allele CA5020611.
Genomic context (GRCh38, chr9:32,543,846, plus strand): 5'-AAGATCTTTCATCTGCCGTAGTTGGCCTCCTTACTGCAATCTGTCTCATAAACTGAGGAA[T>G]TTCAACATCTCTAGGTCTTGTTGAAATGCCTAACCCTTCAAACAGTACTCCACTATCCGG-3'
Protein context (NP_005793.2, residues 217-237): GISTRPRDVE[Ile227Leu]PQFMRQIAVR

ClinVar aggregate classification (germline): Uncertain significance. Review status: criteria provided, multiple submitters, no conflicts (2 of 4 stars). 2 submissions from 2 submitters: Uncertain significance (2). Last evaluated 2025-03-25.

Conditions:
Inborn genetic diseases. Identifiers: MedGen C0950123, MeSH D030342.

Allele frequency attached by ClinVar (database versions not stated): gnomAD exomes below 0.00001; ExAC 0.00002; gnomAD 0.00009; TOPMed 0.00009.
gnomAD v4.1: 18 of 1,614,066 alleles (0.0011%); highest among the groups gnomAD compares: African/African-American, 0.021%; no homozygotes.

Submissions (2):

Labcorp Genetics (formerly Invitae), Labcorp
Classification: Uncertain significance. Last evaluated: 2025-03-25. Review status: criteria provided, single submitter. Criteria: Invitae Variant Classification Sherloc (09022015). Collection method: clinical testing. Allele origin: germline.
Comment: This sequence change replaces isoleucine, which is neutral and non-polar, with leucine, which is neutral and non-polar, at codon 227 of the TOPORS protein (p.Ile227Leu). This variant is present in population databases (rs191483088, gnomAD 0.02%). This variant has not been reported in the literature in individuals affected with TOPORS-related conditions. ClinVar contains an entry for this variant (Variation ID: 2196654). An algorithm developed to predict the effect of missense changes on protein structure and function outputs the following: PolyPhen-2: "Benign". The leucine amino acid residue is found in multiple mammalian species, which suggests that this missense change does not adversely affect protein function. In summary, the available evidence is currently insufficient to determine the role of this variant in disease. Therefore, it has been classified as a Variant of Uncertain Significance.

Ambry Genetics
Classification: Uncertain significance for Inborn genetic diseases. Last evaluated: 2024-11-25. Review status: criteria provided, single submitter. Criteria: Ambry Variant Classification Scheme 2023. Collection method: clinical testing. Allele origin: germline.